The following is an entry in ClinVar:

ClinVar aggregate classification (germline): Conflicting classifications of pathogenicity. Review status: criteria provided, conflicting classifications (1 of 4 stars). 2 submissions from 2 submitters: Likely pathogenic (1); Uncertain significance (1). Last evaluated 2022-10-13.

Conditions:
ABHD12-related disorder. Also called: ABHD12-related condition.

Allele frequency attached by ClinVar (database versions not stated): ExAC 0.00001; gnomAD 0.00001; TOPMed 0.00001; gnomAD exomes 0.00002 and 0.00003.
gnomAD v4.1: 43 of 1,613,996 alleles (0.0027%); highest among the groups gnomAD compares: Non-Finnish European, 0.0032%; no homozygotes.

Submissions (2):

Blueprint Genetics
Classification: Likely pathogenic for ABHD12-related disorders. Last evaluated: 2022-10-13. Review status: criteria provided, single submitter. Criteria: ACMG Guidelines, 2015. Collection method: clinical testing. Allele origin: germline. Affected: yes. Observed: 5 variant alleles.

Labcorp Genetics (formerly Invitae), Labcorp
Classification: Uncertain significance. Last evaluated: 2021-11-17. Review status: criteria provided, single submitter. Criteria: Invitae Variant Classification Sherloc (09022015). Collection method: clinical testing. Allele origin: germline.
Comment: This sequence change replaces proline, which is neutral and non-polar, with threonine, which is neutral and polar, at codon 87 of the ABHD12 protein (p.Pro87Thr). This variant is present in population databases (rs770609209, gnomAD 0.004%). This variant has not been reported in the literature in individuals affected with ABHD12-related conditions. ClinVar contains an entry for this variant (Variation ID: 866468). Algorithms developed to predict the effect of missense changes on protein structure and function are either unavailable or do not agree on the potential impact of this missense change (SIFT: "Deleterious"; PolyPhen-2: "Probably Damaging"; Align-GVGD: "Class C0"). In summary, the available evidence is currently insufficient to determine the role of this variant in disease. Therefore, it has been classified as a Variant of Uncertain Significance.

NM_001042472.3(ABHD12):c.259C>A (p.Pro87Thr)

Gene: ABHD12 (abhydrolase domain containing 12, lysophospholipase; minus strand). Cytogenetic location: 20p11.21.
Variant type: single nucleotide variant.
Coding change: c.259C>A on transcript NM_001042472.3 (MANE Select); coding-DNA position 259, C replaced by A.
Protein change: p.Pro87Thr; replaces proline 87 with threonine.
Molecular consequence: missense variant.
Genome position (GRCh38, 1-based): chr20:25,339,284, G>T on the plus strand (C>A on the coding strand, the complement: ABHD12 is on the minus strand). VCF-style: chr20-25339284-G-T. GRCh37 (hg19) VCF-style: chr20-25319920-G-T.
Other names: c.259C>A, p.Pro87Thr (NM_015600.5); short protein forms P87T.
Identifiers: ClinVar variation 866468 (VCV000866468.6), dbSNP rs770609209, ClinGen allele CA9796209.